The following is an entry in ClinVar:

NM_001385682.1(MAP4):c.1837G>A (p.Val613Met)

Gene: MAP4 (microtubule associated protein 4; minus strand). Cytogenetic location: 3p21.31.
Variant type: single nucleotide variant.
Coding change: c.1837G>A on transcript NM_001385682.1 (MANE Select); coding-DNA position 1837, G replaced by A.
Protein change: p.Val613Met; replaces valine 613 with methionine.
Molecular consequence: missense variant. On other transcripts: intron variant (10).
Genome position (GRCh38, 1-based): chr3:47,915,990, C>T on the plus strand (G>A on the coding strand, the complement: MAP4 is on the minus strand). VCF-style: chr3-47915990-C-T. GRCh37 (hg19) VCF-style: chr3-47957480-C-T.
Other names: c.1768G>A, p.Val590Met (NM_001384869.1, NM_001384857.1, NM_001384730.1 and 10 more transcripts); c.1837G>A, p.Val613Met (NM_001384870.1, NM_001384871.1, NM_001384878.1 and 41 more transcripts); c.1873G>A, p.Val625Met (NM_001384872.1, NM_001384875.1, NM_001384678.1 and 4 more transcripts); c.1759G>A, p.Val587Met (NM_001384873.1, NM_001384859.1); c.1747G>A, p.Val583Met (NM_001384874.1, NM_001384834.1, NM_001384892.1); c.1723G>A, p.Val575Met (NM_001384876.1, NM_001384851.1, NM_001384776.1 and 4 more transcripts); c.1888G>A, p.Val630Met (NM_001385686.1, NM_001385687.1, NM_001385688.1 and 9 more transcripts); c.460+5775G>A (NM_001384817.1); and 15 more; short protein forms V402M, V465M, V506M, V511M, V534M, V549M, V572M, V575M.
Identifiers: ClinVar variation 3034981 (VCV003034981.2), dbSNP rs78150694, ClinGen allele CA2371391.
Genomic context (GRCh38, chr3:47,915,990, plus strand): 5'-AGAATAAGCACAAGCACGTACCTGGTGAAATCATGAAAGTAGGTGCAGCTGACTGCCCCA[C>T]ATCCTGCAGAGATTCTAAATGGGAATCCTCACTTATTCCTTTTTGTGTTTGTGCAATTTC-3'
Protein context (NP_001372611.1, residues 603-623): EDSHLESLQD[Val613Met]GQSAAPTFMI

ClinVar aggregate classification (germline): Likely benign (0 of 4 stars; one submission).

Conditions:
MAP4-related disorder. Also called: MAP4-related condition.

Allele frequency attached by ClinVar (database versions not stated): TOPMed 0.00263; ExAC 0.00099; 1000 Genomes Project 30x 0.00203; gnomAD 0.00250; ESP Exome Variant Server 0.00284; gnomAD exomes 0.00032; 1000 Genomes Project 0.00160.
gnomAD v4.1: 868 of 1,613,964 alleles (0.054%); highest among the groups gnomAD compares: African/African-American, 0.88%; 3 homozygotes.

Submission:

PreventionGenetics, part of Exact Sciences
Classification: Likely benign for MAP4-related condition. Last evaluated: 2019-02-22. Review status: no assertion criteria provided. Collection method: clinical testing. Allele origin: germline.
Comment: This variant is classified as likely benign based on ACMG/AMP sequence variant interpretation guidelines (Richards et al. 2015 PMID: 25741868, with internal and published modifications).